The following is an entry in ClinVar:

ClinVar aggregate classification (germline): Pathogenic (1 of 4 stars; one submission).

Conditions:
TWIST1-related craniosynostosis (CRS1). Also called: CRANIOSYNOSTOSIS 1. Identifiers: Orphanet 63440, MedGen C4551902, MONDO:0007399, OMIM 123100. Inheritance: Heterogenous inheritance pattern.

Submission:

Labcorp Genetics (formerly Invitae), Labcorp
Classification: Pathogenic for TWIST1-related craniosynostosis. Last evaluated: 2019-10-06. Review status: criteria provided, single submitter. Criteria: Invitae Variant Classification Sherloc (09022015). Collection method: clinical testing. Allele origin: germline.
Comment: This variant is not present in population databases (ExAC no frequency). This sequence change creates a premature translational stop signal (p.Trp48*) in the ERF gene. It is expected to result in an absent or disrupted protein product. This variant has not been reported in the literature in individuals with ERF-related conditions. For these reasons, this variant has been classified as Pathogenic. Loss-of-function variants in ERF are known to be pathogenic (PMID: 23354439, 28808027, 26097063).

Literature cited by the submitters: PubMed 23354439; PubMed 28808027; PubMed 26097063.

NM_006494.4(ERF):c.144G>A (p.Trp48Ter)

Gene: ERF (ETS2 repressor factor; minus strand). Cytogenetic location: 19q13.2.
Variant type: single nucleotide variant.
Coding change: c.144G>A on transcript NM_006494.4 (MANE Select); coding-DNA position 144, G replaced by A.
Protein change: p.Trp48Ter; replaces tryptophan 48 with a stop codon.
Molecular consequence: nonsense. On other transcripts: 5 prime UTR variant (3).
Genome position (GRCh38, 1-based): chr19:42,250,444, C>T on the plus strand (G>A on the coding strand, the complement: ERF is on the minus strand). VCF-style: chr19-42250444-C-T. GRCh37 (hg19) VCF-style: chr19-42754596-C-T.
Other names: c.-82G>A (NM_001301035.2, NM_001308402.2, NM_001312656.2); short protein forms W48*.
Identifiers: ClinVar variation 936483 (VCV000936483.7), dbSNP rs2036425705, ClinGen allele CA406115317.
Genomic context (GRCh38, chr19:42,250,444, plus strand): 5'-GCCCCACAGCCGGGCCACCTCATCAGGGTCTTTGATGACGAATTCCCCGTAGTCCCCCTG[C>T]CAGGCAATGACGCCCTGGTACTCCTCCTTCCGCAGCAGCTCCAGGATAAAGTGCCACAGC-3'